The following is an entry in ClinVar:

ClinVar aggregate classification (germline): Uncertain significance (1 of 4 stars; one submission).

Submission:

GeneDx
Classification: Uncertain significance. Last evaluated: 2023-03-23. Review status: criteria provided, single submitter. Criteria: GeneDx Variant Classification Process June 2021. Collection method: clinical testing. Allele origin: germline. Affected: yes.
Comment: Not observed at significant frequency in large population cohorts (gnomAD); In silico analysis supports that this missense variant has a deleterious effect on protein structure/function; Has not been previously published as pathogenic or benign to our knowledge

NM_002585.4(PBX1):c.801G>C (p.Glu267Asp)

Gene: PBX1 (PBX homeobox 1; plus strand). Cytogenetic location: 1q23.3.
Variant type: single nucleotide variant.
Coding change: c.801G>C on transcript NM_002585.4 (MANE Select); coding-DNA position 801, G replaced by C.
Protein change: p.Glu267Asp; replaces glutamic acid 267 with aspartic acid.
Molecular consequence: missense variant.
Genome position (GRCh38, 1-based): chr1:164,807,641, G>C. VCF-style: chr1-164807641-G-C. GRCh37 (hg19) VCF-style: chr1-164776878-G-C.
Other names: c.801G>C, p.Glu267Asp (NM_001204961.2, NM_001204963.2, NM_001353131.2); c.552G>C, p.Glu184Asp (NM_001353130.1); short protein forms E184D, E267D.
Identifiers: ClinVar variation 2446149 (VCV002446149.1), dbSNP rs982554794, ClinGen allele CA343471371.